The following is an entry in ClinVar:

NM_020163.3(SEMA3G):c.454G>A (p.Gly152Arg)

Gene: SEMA3G (semaphorin 3G; minus strand). Cytogenetic location: 3p21.1.
Variant type: single nucleotide variant.
Coding change: c.454G>A on transcript NM_020163.3 (MANE Select); coding-DNA position 454, G replaced by A.
Protein change: p.Gly152Arg; replaces glycine 152 with arginine.
Molecular consequence: missense variant.
Genome position (GRCh38, 1-based): chr3:52,442,190, C>T on the plus strand (G>A on the coding strand, the complement: SEMA3G is on the minus strand). VCF-style: chr3-52442190-C-T. GRCh37 (hg19) VCF-style: chr3-52476206-C-T.
Other names: short protein forms G152R.
Identifiers: ClinVar variation 3351701 (VCV003351701.1).

ClinVar aggregate classification (germline): Uncertain significance (0 of 4 stars; one submission).

Conditions:
SEMA3G-related disorder. Also called: SEMA3G-related condition.

gnomAD v4.1: 6 of 1,613,206 alleles (0.00037%); highest among the groups gnomAD compares: Admixed American, 0.0017%; no homozygotes.

Submission:

PreventionGenetics, part of Exact Sciences
Classification: Uncertain significance for SEMA3G-related condition. Last evaluated: 2024-08-01. Review status: no assertion criteria provided. Collection method: clinical testing. Allele origin: germline.
Comment: The SEMA3G c.454G>A variant is predicted to result in the amino acid substitution p.Gly152Arg. To our knowledge, this variant has not been reported in the literature. This variant is reported in 0.0029% of alleles in individuals of Latino descent in gnomAD. At this time, the clinical significance of this variant is uncertain due to the absence of conclusive functional and genetic evidence.